The following is an entry in ClinVar:

NM_002645.4(PIK3C2A):c.4324_4326del (p.Tyr1442del)

Gene: PIK3C2A (phosphatidylinositol-4-phosphate 3-kinase catalytic subunit type 2 alpha; minus strand). Cytogenetic location: 11p15.1.
Variant type: Deletion.
Coding change: c.4324_4326del on transcript NM_002645.4 (MANE Select); coding-DNA positions 4324 to 4326, 3 bases deleted (TAT; older notation c.4324_4326delTAT).
Protein change: p.Tyr1442del; deletes tyrosine 1442.
Molecular consequence: inframe deletion.
Genome position (GRCh38, 1-based): chr11:17,097,057-17,097,059, ATA deleted on the plus strand (TAT on the coding strand, the reverse complement: PIK3C2A is on the minus strand); deleting any 3 consecutive bases within chr11:17,097,057-17,097,061 gives the same sequence; the c. name uses the placement nearest the transcript's 3' end. VCF-style (leftmost placement, unchanged base first): chr11-17097056-CATA-C. GRCh37 (hg19) VCF-style: chr11-17118603-CATA-C.
Other names: c.4324_4326del, p.Tyr1442del (NM_001321378.2); c.3184_3186del, p.Tyr1062del (NM_001321380.2); c.4156_4158del, p.Tyr1386del (NM_001386870.1); short protein forms Y1386del, Y1442del, Y1062del.
Identifiers: ClinVar variation 1918284 (VCV001918284.2), dbSNP rs772083223, ClinGen allele CA5900567.

ClinVar aggregate classification (germline): Uncertain significance (1 of 4 stars; one submission).

Submission:

Labcorp Genetics (formerly Invitae), Labcorp
Classification: Uncertain significance. Last evaluated: 2022-03-04. Review status: criteria provided, single submitter. Criteria: Invitae Variant Classification Sherloc (09022015). Collection method: clinical testing. Allele origin: germline.
Comment: This variant, c.4324_4326del, results in the deletion of 1 amino acid(s) of the PIK3C2A protein (p.Tyr1442del), but otherwise preserves the integrity of the reading frame. This variant is present in population databases (rs772083223, gnomAD 0.01%). This variant has not been reported in the literature in individuals affected with PIK3C2A-related conditions. Algorithms developed to predict the effect of sequence changes on RNA splicing suggest that this variant may disrupt the consensus splice site. In summary, the available evidence is currently insufficient to determine the role of this variant in disease. Therefore, it has been classified as a Variant of Uncertain Significance.